The following is an entry in ClinVar:

NM_001124758.3(SPNS2):c.1249G>A (p.Ala417Thr)

Gene: SPNS2 (SPNS lysolipid transporter 2, sphingosine-1-phosphate; plus strand). Cytogenetic location: 17p13.2.
Variant type: single nucleotide variant.
Coding change: c.1249G>A on transcript NM_001124758.3 (MANE Select); coding-DNA position 1249, G replaced by A.
Protein change: p.Ala417Thr; replaces alanine 417 with threonine.
Molecular consequence: missense variant.
Genome position (GRCh38, 1-based): chr17:4,533,403, G>A. VCF-style: chr17-4533403-G-A. GRCh37 (hg19) VCF-style: chr17-4436698-G-A.
Other names: c.1249G>A (NM_001124758.2); short protein forms A417T.
Identifiers: ClinVar variation 2647258 (VCV002647258.25), dbSNP rs149615209, ClinGen allele CA8303228.

ClinVar aggregate classification (germline): Likely benign. Review status: criteria provided, single submitter (1 of 4 stars). 2 submissions from 2 submitters: Likely benign (1). 1 of the submissions does not count toward it. Last evaluated 2022-11-01.

Conditions:
SPNS2-related disorder. Also called: SPNS2-related condition.

Allele frequency attached by ClinVar (database versions not stated): ESP Exome Variant Server 0.00097; 1000 Genomes Project 0.00100; 1000 Genomes Project 30x 0.00109.
gnomAD v4.1: 1,733 of 1,608,012 alleles (0.11%); highest among the groups gnomAD compares: Middle Eastern, 0.73%; 8 homozygotes.

Submissions (2):

CeGaT Center for Human Genetics Tuebingen
Classification: Likely benign. Last evaluated: 2022-11-01. Review status: criteria provided, single submitter. Criteria: CeGaT Center For Human Genetics Tuebingen Variant Classification Criteria Version 2. Collection method: clinical testing. Allele origin: germline. Affected: yes. Observed: 1 variant allele.
Comment: SPNS2: BS2

PreventionGenetics, part of Exact Sciences
Classification: Likely benign for SPNS2-related condition. Last evaluated: 2020-08-10. Review status: no assertion criteria provided. Collection method: clinical testing. Allele origin: germline. Not counted in ClinVar's aggregate classification.
Comment: This variant is classified as likely benign based on ACMG/AMP sequence variant interpretation guidelines (Richards et al. 2015 PMID: 25741868, with internal and published modifications).